The following is an entry in ClinVar:

NM_004655.4(AXIN2):c.1137_1151dup (p.Glu384_Leu385insLysLeuLysLeuGlu)

Gene: AXIN2 (axin 2; minus strand). Cytogenetic location: 17q24.1.
Variant type: Duplication.
Coding change: c.1137_1151dup on transcript NM_004655.4 (MANE Select); coding-DNA positions 1137 to 1151, 15 bases duplicated (AAAGCTGAAGCTGGA).
Protein change: p.Glu384_Leu385insLysLeuLysLeuGlu.
Molecular consequence: inframe indel (on NM_004655.3).
Genome position (GRCh38, 1-based): chr17:65,538,252-65,538,266, TCCAGCTTCAGCTTT duplicated on the plus strand (AAAGCTGAAGCTGGA on the coding strand, the reverse complement: AXIN2 is on the minus strand); duplicating any 15 consecutive bases within chr17:65,538,252-65,538,272 gives the same sequence; the c. name uses the placement nearest the transcript's 3' end. VCF-style (leftmost placement, unchanged base first): chr17-65538251-C-CTCCAGCTTCAGCTTT. GRCh37 (hg19) VCF-style: chr17-63534369-C-CTCCAGCTTCAGCTTT.
Other names: c.1137_1151dup, p.Glu384_Leu385insLysLeuLysLeuGlu (NM_001363813.1); c.1137_1151dupAAAGCTGAAGCTGGA (NM_004655.3).
Identifiers: ClinVar variation 4843055 (VCV004843055.1).
Genomic context (GRCh38, chr17:65,538,251, plus strand): 5'-AGGCCGCATTACCTCTCGGATCTGCTGCAGGCGCTCCTCCAGGCTGTGGCGGCTCTCCAA[C>CTCCAGCTTCAGCTTT]TCCAGCTTCAGCTTTTCCAGCCTCGAGATCAGCTCAGCTGCAAAGGTGGCGGGTTCCACG-3'

ClinVar aggregate classification (germline): Uncertain significance (1 of 4 stars; one submission).

Conditions:
Hereditary cancer-predisposing syndrome. Also called: Neoplastic Syndromes, Hereditary; Tumor predisposition; Hereditary Cancer Syndrome; Hereditary neoplastic syndrome. Identifiers: Orphanet 140162, MedGen C0027672, MeSH D009386, MONDO:0015356.

Submission:

Ambry Genetics
Classification: Uncertain significance for Hereditary cancer-predisposing syndrome. Last evaluated: 2026-01-02. Review status: criteria provided, single submitter. Criteria: Ambry Variant Classification Scheme 2023. Collection method: clinical testing. Allele origin: germline.
Comment: The c.1137_1151dup15 variant (also known as p.K380_E384dup), located in coding exon 4 of the AXIN2 gene, results from an in-frame duplication of 15 nucleotides at nucleotide positions 1137 to 1151. This results in the duplication of 5 extra residues (KLKLE) between codons 380 and 384. In addition, this variant is predicted to be deleterious by in silico analysis (Choi Y et al. PLoS ONE. 2012; 7(10):e46688). Based on the available evidence, the clinical significance of this variant remains unclear.